The following is an entry in ClinVar:

NM_012073.5(CCT5):c.649G>A (p.Gly217Ser)

Gene: CCT5 (chaperonin containing TCP1 subunit 5; plus strand). Cytogenetic location: 5p15.2.
Variant type: single nucleotide variant.
Coding change: c.649G>A on transcript NM_012073.5 (MANE Select); coding-DNA position 649, G replaced by A.
Protein change: p.Gly217Ser; replaces glycine 217 with serine.
Molecular consequence: missense variant.
Genome position (GRCh38, 1-based): chr5:10,258,229, G>A. VCF-style: chr5-10258229-G-A. GRCh37 (hg19) VCF-style: chr5-10258341-G-A.
Other names: c.586G>A, p.Gly196Ser (NM_001306153.1); c.484G>A, p.Gly162Ser (NM_001306154.2); c.370G>A, p.Gly124Ser (NM_001306155.2); c.535G>A, p.Gly179Ser (NM_001306156.2); short protein forms G179S, G124S, G162S, G196S, G217S.
Identifiers: ClinVar variation 944617 (VCV000944617.10), dbSNP rs201804455, ClinGen allele CA3198133.

ClinVar aggregate classification (germline): Uncertain significance (1 of 4 stars; one submission).

Conditions:
Hereditary sensory and autonomic neuropathy with spastic paraplegia (HSNSP). Identifiers: Orphanet 139578, MedGen C1850395, MONDO:0009748, OMIM 256840.

Allele frequency attached by ClinVar (database versions not stated): gnomAD 0.00001 and 0.00008; TOPMed 0.00003; gnomAD exomes 0.00013 and 0.00027; ESP Exome Variant Server 0.00015; ExAC 0.00030; 1000 Genomes Project 30x 0.00031; 1000 Genomes Project 0.00040.

Submission:

Labcorp Genetics (formerly Invitae), Labcorp
Classification: Uncertain significance for Hereditary sensory and autonomic neuropathy with spastic paraplegia. Last evaluated: 2025-05-11. Review status: criteria provided, single submitter. Criteria: Invitae Variant Classification Sherloc (09022015). Collection method: clinical testing. Allele origin: germline.
Comment: This sequence change replaces glycine, which is neutral and non-polar, with serine, which is neutral and polar, at codon 217 of the CCT5 protein (p.Gly217Ser). This variant is present in population databases (rs201804455, gnomAD 0.2%), and has an allele count higher than expected for a pathogenic variant. This variant has not been reported in the literature in individuals affected with CCT5-related conditions. ClinVar contains an entry for this variant (Variation ID: 944617). Invitae Evidence Modeling of protein sequence and biophysical properties (such as structural, functional, and spatial information, amino acid conservation, physicochemical variation, residue mobility, and thermodynamic stability) has been performed for this missense variant. However, the output from this modeling did not meet the statistical confidence thresholds required to predict the impact of this variant on CCT5 protein function. In summary, the available evidence is currently insufficient to determine the role of this variant in disease. Therefore, it has been classified as a Variant of Uncertain Significance.